The following is an entry in ClinVar:

NM_000321.3(RB1):c.1397A>C (p.Glu466Ala)

Gene: RB1 (RB transcriptional corepressor 1; plus strand). Cytogenetic location: 13q14.2.
Variant type: single nucleotide variant.
Coding change: c.1397A>C on transcript NM_000321.3 (MANE Select); coding-DNA position 1397, A replaced by C.
Protein change: p.Glu466Ala; replaces glutamic acid 466 with alanine.
Molecular consequence: missense variant.
Genome position (GRCh38, 1-based): chr13:48,380,060, A>C. VCF-style: chr13-48380060-A-C. GRCh37 (hg19) VCF-style: chr13-48954196-A-C.
Other names: c.1397A>C, p.Glu466Ala (NM_001407165.1, NM_001407166.1); short protein forms E466A.
Identifiers: ClinVar variation 3943356 (VCV003943356.1).

ClinVar aggregate classification (germline): Uncertain significance (1 of 4 stars; one submission).

Conditions:
Hereditary cancer-predisposing syndrome. Also called: Tumor predisposition; Hereditary neoplastic syndrome; Hereditary Cancer Syndrome; Neoplastic Syndromes, Hereditary. Identifiers: Orphanet 140162, MedGen C0027672, MeSH D009386, MONDO:0015356.

gnomAD v4.1: 1 of 1,369,430 alleles (0.000073%); highest among the groups gnomAD compares: Non-Finnish European, 0.000099%; no homozygotes.

Submission:

Ambry Genetics
Classification: Uncertain significance for Hereditary cancer-predisposing syndrome. Last evaluated: 2025-05-07. Review status: criteria provided, single submitter. Criteria: Ambry Variant Classification Scheme 2023. Collection method: clinical testing. Allele origin: germline.
Comment: The p.E466A variant (also known as c.1397A>C), located in coding exon 15 of the RB1 gene, results from an A to C substitution at nucleotide position 1397. The glutamic acid at codon 466 is replaced by alanine, an amino acid with dissimilar properties. This amino acid position is conserved. In addition, the in silico prediction for this alteration is inconclusive. Based on the available evidence, the clinical significance of this variant remains unclear.